The following is an entry in ClinVar:

NM_001040142.2(SCN2A):c.296C>T (p.Ala99Val)

Gene: SCN2A (sodium voltage-gated channel alpha subunit 2; plus strand). Cytogenetic location: 2q24.3.
Variant type: single nucleotide variant.
Coding change: c.296C>T on transcript NM_001040142.2 (MANE Select); coding-DNA position 296, C replaced by T.
Protein change: p.Ala99Val; replaces alanine 99 with valine.
Molecular consequence: missense variant.
Genome position (GRCh38, 1-based): chr2:165,297,045, C>T. VCF-style: chr2-165297045-C-T. GRCh37 (hg19) VCF-style: chr2-166153555-C-T.
Other names: c.296C>T, p.Ala99Val (NM_001040143.2, NM_001371246.1, NM_001371247.1 and 1 more transcripts); short protein forms A99V.
Identifiers: ClinVar variation 2142671 (VCV002142671.4), dbSNP rs764976234, ClinGen allele CA1939583.

ClinVar aggregate classification (germline): Uncertain significance (1 of 4 stars; one submission).

Conditions:
Seizures, benign familial infantile, 3 (BFIS3). Also called: Familial neonatal seizures; CONVULSIONS, BENIGN FAMILIAL INFANTILE, 3. Identifiers: Orphanet 140927, Orphanet 306, MedGen C1843140, MONDO:0011904, OMIM 607745.
Developmental and epileptic encephalopathy, 11 (DEE11). Also called: Early infantile epileptic encephalopathy 11. Identifiers: Orphanet 1934, MedGen C3150987, MONDO:0013388, OMIM 613721.

Allele frequency attached by ClinVar (database versions not stated): gnomAD exomes below 0.00001; ExAC 0.00001; gnomAD 0.00001.
gnomAD v4.1: 6 of 1,608,780 alleles (0.00037%); highest among the groups gnomAD compares: African/African-American, 0.0013%; no homozygotes.

Submission:

Labcorp Genetics (formerly Invitae), Labcorp
Classification: Uncertain significance for Seizures, benign familial infantile, 3; Developmental and epileptic encephalopathy, 11. Last evaluated: 2022-05-25. Review status: criteria provided, single submitter. Criteria: Invitae Variant Classification Sherloc (09022015). Collection method: clinical testing. Allele origin: germline.
Comment: This variant is not present in population databases (gnomAD no frequency). In summary, the available evidence is currently insufficient to determine the role of this variant in disease. Therefore, it has been classified as a Variant of Uncertain Significance. Algorithms developed to predict the effect of missense changes on protein structure and function are either unavailable or do not agree on the potential impact of this missense change (SIFT: "Deleterious"; PolyPhen-2: "Benign"; Align-GVGD: "Class C0"). This variant has not been reported in the literature in individuals affected with SCN2A-related conditions. This sequence change replaces alanine, which is neutral and non-polar, with valine, which is neutral and non-polar, at codon 99 of the SCN2A protein (p.Ala99Val).